The following is an entry in ClinVar:

ClinVar aggregate classification (germline): Uncertain significance (1 of 4 stars; one submission).

Conditions:
Congenital muscular hypertrophy-cerebral syndrome (CDLS2). Also called: Cornelia de Lange syndrome 2; SMC1A-Related Cornelia de Lange Syndrome. Identifiers: Orphanet 199, MedGen C1802395, MONDO:0010370, OMIM 300590.

Allele frequency attached by ClinVar (database versions not stated): gnomAD exomes below 0.00001.
gnomAD v4.1: 2 of 1,194,471 alleles (0.00017%); highest among the groups gnomAD compares: Non-Finnish European, 0.00023%; no homozygotes.

Submission:

Labcorp Genetics (formerly Invitae), Labcorp
Classification: Uncertain significance for Congenital muscular hypertrophy-cerebral syndrome. Last evaluated: 2022-10-21. Review status: criteria provided, single submitter. Criteria: Invitae Variant Classification Sherloc (09022015). Collection method: clinical testing. Allele origin: germline.
Comment: In summary, the available evidence is currently insufficient to determine the role of this variant in disease. Therefore, it has been classified as a Variant of Uncertain Significance. Advanced modeling of protein sequence and biophysical properties (such as structural, functional, and spatial information, amino acid conservation, physicochemical variation, residue mobility, and thermodynamic stability) performed at Invitae indicates that this missense variant is not expected to disrupt SMC1A protein function. ClinVar contains an entry for this variant (Variation ID: 1387508). This variant has not been reported in the literature in individuals affected with SMC1A-related conditions. This variant is not present in population databases (gnomAD no frequency). This sequence change replaces aspartic acid, which is acidic and polar, with valine, which is neutral and non-polar, at codon 961 of the SMC1A protein (p.Asp961Val).

NM_006306.4(SMC1A):c.2882A>T (p.Asp961Val)

Gene: SMC1A (structural maintenance of chromosomes 1A; minus strand). Cytogenetic location: Xp11.22.
Variant type: single nucleotide variant.
Coding change: c.2882A>T on transcript NM_006306.4 (MANE Select); coding-DNA position 2882, A replaced by T.
Protein change: p.Asp961Val; replaces aspartic acid 961 with valine.
Molecular consequence: missense variant.
Genome position (GRCh38, 1-based): chrX:53,394,869, T>A on the plus strand (A>T on the coding strand, the complement: SMC1A is on the minus strand). VCF-style: chrX-53394869-T-A. GRCh37 (hg19) VCF-style: chrX-53421789-T-A.
Other names: c.2816A>T, p.Asp939Val (NM_001281463.1); short protein forms D961V, D939V.
Identifiers: ClinVar variation 1387508 (VCV001387508.6), dbSNP rs2146592435, ClinGen allele CA413247521.
Genomic context (GRCh38, chrX:53,394,869, plus strand): 5'-ATCTCAATGAGGGCCTCTCGTGCATAGATACTGGAAATTCTCTGTGAACCACTCACTGAG[T>A]CCTCCCCCTGGGAGCTACCCTGCAATGGCAACGGAGAGTCAAGTGGAGCAGACTGGCCAT-3'
Protein context (NP_006297.2, residues 951-971): SQEEGSSQGE[Asp961Val]SVSGSQRISS